The following is an entry in ClinVar:

ClinVar aggregate classification (germline): Uncertain significance. Review status: criteria provided, multiple submitters, no conflicts (2 of 4 stars). 2 submissions from 2 submitters: Uncertain significance (2). Last evaluated 2021-11-30.

Conditions:
Congenital contractural arachnodactyly (CCA). Also called: BEALS SYNDROME; Beals-Hecht syndrome; Arthrogryposis, distal, type 9. Identifiers: Orphanet 115, MedGen C0220668, MONDO:0007363, OMIM 121050.

Allele frequency attached by ClinVar (database versions not stated): gnomAD 0.00001.
gnomAD v4.1: 1 of 1,613,554 alleles (0.000062%); highest among the groups gnomAD compares: African/African-American, 0.0013%; no homozygotes.

Submissions (2):

Labcorp Genetics (formerly Invitae), Labcorp
Classification: Uncertain significance for Congenital contractural arachnodactyly. Last evaluated: 2021-11-30. Review status: criteria provided, single submitter. Criteria: Invitae Variant Classification Sherloc (09022015). Collection method: clinical testing. Allele origin: germline.
Comment: This variant has not been reported in the literature in individuals affected with FBN2-related conditions. In summary, the available evidence is currently insufficient to determine the role of this variant in disease. Therefore, it has been classified as a Variant of Uncertain Significance. Advanced modeling of protein sequence and biophysical properties (such as structural, functional, and spatial information, amino acid conservation, physicochemical variation, residue mobility, and thermodynamic stability) performed at Invitae indicates that this missense variant is not expected to disrupt FBN2 protein function. ClinVar contains an entry for this variant (Variation ID: 432977). This variant is not present in population databases (gnomAD no frequency). This sequence change replaces histidine, which is basic and polar, with proline, which is neutral and non-polar, at codon 501 of the FBN2 protein (p.His501Pro).

GeneDx
Classification: Uncertain significance. Last evaluated: 2018-01-30. Review status: criteria provided, single submitter. Criteria: GeneDx Variant Classification (06012015). Collection method: clinical testing. Allele origin: germline. Affected: yes.
Comment: A variant of uncertain significance has been identified in the FBN2 gene. The H501P variant has not been published as pathogenic or been reported as benign to our knowledge. This variant is not observed in large population cohorts (Lek et al., 2016; 1000 Genomes Consortium et al., 2015; Exome Variant Server). The H501P variant is a non-conservative amino acid substitution, which is likely to impact secondary protein structure as these residues differ in polarity, charge, size and/or other properties. This substitution occurs at a position that is conserved in mammals. In silico analysis predicts this variant is probably damaging to the protein structure/function. However, while the H501P variant is located within a calcium-binding EGF-like domain of the FBN2 gene, it does not affect a Cysteine residue within this domain. Cysteine substitutions in the calcium-binding EGF-like domains represent the majority of pathogenic missense changes associated with congenital contractural arachnodactyly (Collod-Beroud et al., 2003; FrÃ©dÃ©ric et al., 2009).

NM_001999.4(FBN2):c.1502A>C (p.His501Pro)

Gene: FBN2 (fibrillin 2; minus strand). Cytogenetic location: 5q23.3.
Variant type: single nucleotide variant.
Coding change: c.1502A>C on transcript NM_001999.4 (MANE Select); coding-DNA position 1502, A replaced by C.
Protein change: p.His501Pro; replaces histidine 501 with proline.
Molecular consequence: missense variant.
Genome position (GRCh38, 1-based): chr5:128,392,119, T>G on the plus strand (A>C on the coding strand, the complement: FBN2 is on the minus strand). VCF-style: chr5-128392119-T-G. GRCh37 (hg19) VCF-style: chr5-127727812-T-G.
Other names: short protein forms H501P.
Identifiers: ClinVar variation 432977 (VCV000432977.8), dbSNP rs773361111, ClinGen allele CA360747953.